The following is an entry in ClinVar:

ClinVar aggregate classification (germline): Uncertain significance. Review status: criteria provided, multiple submitters, no conflicts (2 of 4 stars). 2 submissions from 2 submitters: Uncertain significance (2). Last evaluated 2024-08-05.

Conditions:
Inborn genetic diseases. Identifiers: MedGen C0950123, MeSH D030342.

Allele frequency attached by ClinVar (database versions not stated): gnomAD exomes below 0.00001; TOPMed below 0.00001.
gnomAD v4.1: 2 of 1,493,898 alleles (0.00013%); highest among the groups gnomAD compares: Non-Finnish European, 0.00018%; no homozygotes.

Submissions (2):

Ambry Genetics
Classification: Uncertain significance for Inborn genetic diseases. Last evaluated: 2024-08-05. Review status: criteria provided, single submitter. Criteria: Ambry Variant Classification Scheme 2023. Collection method: clinical testing. Allele origin: germline.

Labcorp Genetics (formerly Invitae), Labcorp
Classification: Uncertain significance. Last evaluated: 2024-02-11. Review status: criteria provided, single submitter. Criteria: Invitae Variant Classification Sherloc (09022015). Collection method: clinical testing. Allele origin: germline.
Comment: This sequence change replaces glutamine, which is neutral and polar, with leucine, which is neutral and non-polar, at codon 523 of the GSN protein (p.Gln523Leu). This variant is not present in population databases (gnomAD no frequency). This variant has not been reported in the literature in individuals affected with GSN-related conditions. ClinVar contains an entry for this variant (Variation ID: 2191408). An algorithm developed to predict the effect of missense changes on protein structure and function (PolyPhen-2) suggests that this variant is likely to be disruptive. In summary, the available evidence is currently insufficient to determine the role of this variant in disease. Therefore, it has been classified as a Variant of Uncertain Significance.

NM_198252.3(GSN):c.1415A>T (p.Gln472Leu)

Gene: GSN (gelsolin; plus strand). Cytogenetic location: 9q33.2.
Variant type: single nucleotide variant.
Coding change: c.1415A>T on transcript NM_198252.3 (MANE Select); coding-DNA position 1415, A replaced by T.
Protein change: p.Gln472Leu; replaces glutamine 472 with leucine.
Molecular consequence: missense variant.
Genome position (GRCh38, 1-based): chr9:121,324,643, A>T. VCF-style: chr9-121324643-A-T. GRCh37 (hg19) VCF-style: chr9-124086921-A-T.
Other names: c.1568A>T, p.Gln523Leu (NM_000177.5); c.1415A>T, p.Gln472Leu (NM_001127662.2, NM_001127664.2, NM_001127665.2 and 10 more transcripts); c.1523A>T, p.Gln508Leu (NM_001127663.2); c.1448A>T, p.Gln483Leu (NM_001127666.2, NM_001127667.2, NM_001353063.2 and 13 more transcripts); c.1466A>T, p.Gln489Leu (NM_001258029.2); c.1439A>T, p.Gln480Leu (NM_001258030.2); c.1487A>T, p.Gln496Leu (NM_001353076.2); c.761A>T, p.Gln254Leu (NM_001353078.2); and 1 more; short protein forms Q472L, Q483L, Q523L, Q254L, Q480L, Q489L, Q496L, Q508L.
Identifiers: ClinVar variation 2191408 (VCV002191408.5), dbSNP rs868596277, ClinGen allele CA374752522.